The following is an entry in ClinVar:

NM_001754.5(RUNX1):c.1317C>G (p.Ser439=)

Gene: RUNX1 (RUNX family transcription factor 1; minus strand). Cytogenetic location: 21q22.12.
Variant type: single nucleotide variant.
Coding change: c.1317C>G on transcript NM_001754.5 (MANE Select); coding-DNA position 1317, C replaced by G.
Protein change: p.Ser439=; no amino-acid change (serine 439 retained).
Molecular consequence: synonymous variant.
Genome position (GRCh38, 1-based): chr21:34,792,261, G>C on the plus strand (C>G on the coding strand, the complement: RUNX1 is on the minus strand). VCF-style: chr21-34792261-G-C. GRCh37 (hg19) VCF-style: chr21-36164558-G-C.
Other names: NM_001754.5(RUNX1):c.1317C>G; p.Ser439=; c.1317C>G (NM_001754.4); c.1236C>G, p.Ser412= (NM_001001890.3).
Identifiers: ClinVar variation 1585214 (VCV001585214.10), dbSNP rs1060504667, ClinGen allele CA512341055.
Genomic context (GRCh38, chr21:34,792,261, plus strand): 5'-GTGGCTGCCCTCGGCCTCCACCACGTCGCTCTGGTTCGGGAGGCTGGGGTTGAGCAGCGC[G>C]GAGCCGGTGGAGGCGTTGGTGCAGGGCGGCAGGATGCGCGGCGGCGAGCGCTCGCCGCCC-3'
Protein context (NP_001745.2, residues 429-449): LPPCTNASTG[Ser439=]ALLNPSLPNQ

ClinVar aggregate classification (germline): Likely benign. Review status: reviewed by expert panel (3 of 4 stars). 3 submissions from 3 submitters: Likely benign (1). 2 of the submissions do not count toward it. Last evaluated 2024-09-25.

Conditions:
Hereditary thrombocytopenia and hematologic cancer predisposition syndrome. Identifiers: Orphanet 71290, MedGen CN281654, MONDO:0011071.
Hereditary thrombocytopenia and hematological cancer predisposition syndrome associated with RUNX1. Also called: RUNX1 Familial Platelet Disorder with Associated Myeloid Malignancies; Familial Platelet Disorder with Propensity to Acute Myelogenous Leukemia; Familial thrombocytopenia with propensity to acute myelogenous leukemia; PLATELET DISORDER, ASPIRIN-LIKE. Identifiers: Orphanet 71290, MedGen C1832388, MeSH C563324, MONDO:0100083, OMIM 601399.
Inborn genetic diseases. Identifiers: MedGen C0950123, MeSH D030342.

Submissions (3):

ClinGen Myeloid Malignancy Variant Curation Expert Panel
Classification: Likely benign for Hereditary thrombocytopenia and hematologic cancer predisposition syndrome. Last evaluated: 2024-09-25. Review status: reviewed by expert panel. Criteria: ClinGen MyeloMalig ACMG Specifications v2. Collection method: curation. Allele origin: germline. Inheritance: Autosomal dominant inheritance.
Comment: NM_001754.5(RUNX1):c.1317C>G (p.Ser439=) is a synonymous variant which has a REVEL score < 0.50 (0) and a SpliceAI score ≤ 0.20 (0) (BP4). Evolutionary conservation algorithms predict the site as not being conserved (PhyloP score ≤ 2.0 (-1.3)) (BP7). This variant is completely absent from all population databases with at least 20x coverage for RUNX1 (PM2_supporting). In summary, this variant meets criteria to be classified as likely benign. ACMG/AMP criteria applied, as specified by the Myeloid Malignancy Variant Curation Expert Panel for RUNX1: BP4, BP7, PM2_supporting.

Ambry Genetics
Classification: Likely benign for Inborn genetic diseases. Last evaluated: 2026-03-03. Review status: criteria provided, single submitter. Criteria: Ambry Variant Classification Scheme 2023. Collection method: clinical testing. Allele origin: germline. Not counted in ClinVar's aggregate classification.

Labcorp Genetics (formerly Invitae), Labcorp
Classification: Likely benign for Hereditary thrombocytopenia and hematological cancer predisposition syndrome associated with RUNX1. Last evaluated: 2023-09-05. Review status: criteria provided, single submitter. Criteria: Invitae Variant Classification Sherloc (09022015). Collection method: clinical testing. Allele origin: germline. Not counted in ClinVar's aggregate classification.